The following is an entry in ClinVar:

ClinVar aggregate classification (germline): Conflicting classifications of pathogenicity. Review status: criteria provided, conflicting classifications (1 of 4 stars). 4 submissions from 4 submitters: Uncertain significance (3); Likely benign (1). Last evaluated 2025-10-18.

Conditions:
Inborn genetic diseases. Identifiers: MedGen C0950123, MeSH D030342.
Intellectual developmental disorder with autism and macrocephaly. Also called: CHD8-Related Neurodevelopmental Disorder with Overgrowth; Autism, susceptibility to, 18. Identifiers: Orphanet 642675, MedGen C3554373, MONDO:0014017, OMIM 615032.

Allele frequency attached by ClinVar (database versions not stated): gnomAD exomes below 0.00001; TOPMed below 0.00001; gnomAD 0.00001.
gnomAD v4.1: 3 of 1,613,916 alleles (0.00019%); highest among the groups gnomAD compares: Non-Finnish European, 0.00025%; no homozygotes.

Submissions (4):

Ambry Genetics
Classification: Uncertain significance for Inborn genetic diseases. Last evaluated: 2025-10-18. Review status: criteria provided, single submitter. Criteria: Ambry Variant Classification Scheme 2023. Collection method: clinical testing. Allele origin: germline.

Labcorp Genetics (formerly Invitae), Labcorp
Classification: Likely benign. Last evaluated: 2024-12-20. Review status: criteria provided, single submitter. Criteria: Invitae Variant Classification Sherloc (09022015). Collection method: clinical testing. Allele origin: germline.

GeneDx
Classification: Uncertain significance. Last evaluated: 2019-10-17. Review status: criteria provided, single submitter. Criteria: GeneDx Variant Classification Process June 2021. Collection method: clinical testing. Allele origin: germline. Affected: yes.
Comment: Not observed at a significant frequency in large population cohorts (Lek et al., 2016); In silico analysis, which includes protein predictors and evolutionary conservation, supports a deleterious effect; Has not been previously published as pathogenic or benign to our knowledge

CENTOGENE GmbH and LLC - Guiding Precision Medicine
Classification: Uncertain significance for Intellectual developmental disorder with autism and macrocephaly. Last evaluated: 2019-02-28. Review status: criteria provided, single submitter. Criteria: ACMG Guidelines, 2015. Collection method: clinical testing. Allele origin: paternal. Affected: yes.

NM_001170629.2(CHD8):c.1351A>G (p.Arg451Gly)

Gene: CHD8 (chromodomain helicase DNA binding protein 8; minus strand). Cytogenetic location: 14q11.2.
Variant type: single nucleotide variant.
Coding change: c.1351A>G on transcript NM_001170629.2 (MANE Select); coding-DNA position 1351, A replaced by G.
Protein change: p.Arg451Gly; replaces arginine 451 with glycine.
Molecular consequence: missense variant.
Genome position (GRCh38, 1-based): chr14:21,428,119, T>C on the plus strand (A>G on the coding strand, the complement: CHD8 is on the minus strand). VCF-style: chr14-21428119-T-C. GRCh37 (hg19) VCF-style: chr14-21896278-T-C.
Other names: c.514A>G, p.Arg172Gly (NM_020920.4); short protein forms R172G, R451G.
Identifiers: ClinVar variation 1309304 (VCV001309304.6), dbSNP rs1435998081, ClinGen allele CA388883475.